The following is an entry in ClinVar:

NM_001145358.2(SIN3A):c.1017_1021del (p.Arg340fs)

Gene: SIN3A (SIN3 transcription regulator family member A; minus strand). Cytogenetic location: 15q24.2.
Variant type: Deletion.
Coding change: c.1017_1021del on transcript NM_001145358.2 (MANE Select); coding-DNA positions 1017 to 1021, 5 bases deleted (GAGAA; older notation c.1017_1021delGAGAA).
Protein change: p.Arg340fs; shifts the reading frame from arginine 340.
Molecular consequence: frameshift variant.
Genome position (GRCh38, 1-based): chr15:75,410,274-75,410,278, TTCTC deleted on the plus strand (GAGAA on the coding strand, the reverse complement: SIN3A is on the minus strand); deleting any 5 consecutive bases within chr15:75,410,274-75,410,279 gives the same sequence; the c. name uses the placement nearest the transcript's 3' end. VCF-style (leftmost placement, unchanged base first): chr15-75410273-TTTCTC-T. GRCh37 (hg19) VCF-style: chr15-75702614-TTTCTC-T.
Other names: c.1017_1021del, p.Arg340fs (NM_001145357.2, NM_015477.3); short protein forms R340fs.
Identifiers: ClinVar variation 3255061 (VCV003255061.2), dbSNP rs2542682219.

ClinVar aggregate classification (germline): Pathogenic (1 of 4 stars; one submission).

Conditions:
SIN3A-related intellectual disability syndrome due to a point mutation. Also called: 15q24 Microdeletion Syndrome; WITTEVEEN-KOLK SYNDROME. Identifiers: Orphanet 500166, Orphanet 94065, MedGen C4310804, MONDO:0044700, OMIM 613406.

Submission:

Victorian Clinical Genetics Services, Murdoch Childrens Research Institute
Classification: Pathogenic for SIN3A-related intellectual disability syndrome due to a point mutation. Last evaluated: 2024-09-20. Review status: criteria provided, single submitter. Criteria: ACMG Guidelines, 2015. Collection method: clinical testing. Allele origin: germline. Inheritance: Autosomal dominant inheritance. Affected: yes.
Comment: Based on the classification scheme VCGS_Germline_v1.3.4, this variant is classified as Pathogenic. Following criteria are met: 0102 - Loss of function is a known mechanism of disease in this gene and is associated with Witteveen-Kolk syndrome (MIM#613406). (I) 0107 - This gene is associated with autosomal dominant disease. (I) 0201 - Variant is predicted to cause nonsense-mediated decay (NMD) and loss of protein (premature termination codon is located at least 54 nucleotides upstream of the final exon-exon junction). (SP) 0251 - This variant is heterozygous. (I) 0301 - Variant is absent from gnomAD (both v2 and v3). (SP) 0701 - Other NMD predicted variants comparable to the one identified in this case have very strong previous evidence for pathogenicity (DECIPHER). (SP) 0807 - This variant has no previous evidence of pathogenicity. (I) 0905 - No published segregation evidence has been identified for this variant. (I) 1007 - No published functional evidence has been identified for this variant. (I) 1208 - Inheritance information for this variant is not currently available in this individual. (I) Legend: (SP) - Supporting pathogenic, (I) - Information, (SB) - Supporting benign